The following is an entry in ClinVar:

NM_025237.3(SOST):c.*1004G>A

Gene: SOST (sclerostin; minus strand). Cytogenetic location: 17q21.31.
Variant type: single nucleotide variant.
Coding change: c.*1004G>A on transcript NM_025237.3 (MANE Select); 1004 bases downstream of the stop codon, G replaced by A.
Molecular consequence: 3 prime UTR variant.
Genome position (GRCh38, 1-based): chr17:43,754,338, C>T on the plus strand (G>A on the coding strand, the complement: SOST is on the minus strand). VCF-style: chr17-43754338-C-T. GRCh37 (hg19) VCF-style: chr17-41831706-C-T.
Identifiers: ClinVar variation 323432 (VCV000323432.6), dbSNP rs17886183, ClinGen allele CA10649342.

ClinVar aggregate classification (germline): Benign. Review status: criteria provided, multiple submitters, no conflicts (2 of 4 stars). 2 submissions from 2 submitters: Benign (2). Last evaluated 2018-01-13.

Conditions:
Sclerosteosis 1 (SOST1). Also called: CORTICAL HYPEROSTOSIS WITH SYNDACTYLY. Identifiers: Orphanet 3152, MedGen C4551483, MONDO:0010016, OMIM 269500.

Allele frequency attached by ClinVar (database versions not stated): gnomAD 0.09507 and 0.10131; 1000 Genomes Project 0.09704; 1000 Genomes Project 30x 0.09822; TOPMed 0.10897.

Submissions (2):

Illumina Laboratory Services, Illumina
Classification: Benign for Sclerosteosis 1. Last evaluated: 2018-01-13. Review status: criteria provided, single submitter. Criteria: ICSL Variant Classification Criteria 13 December 2019. Collection method: clinical testing. Allele origin: germline.
Comment: This variant was observed in the ICSL laboratory as part of a predisposition screen in an ostensibly healthy population. It had not been previously curated by ICSL or reported in the Human Gene Mutation Database (HGMD: prior to June 1st, 2018), and was therefore a candidate for classification through an automated scoring system. Utilizing variant allele frequency, disease prevalence and penetrance estimates, and inheritance mode, an automated score was calculated to assess if this variant is too frequent to cause the disease. Based on the score and internal cut-off values, a variant classified as benign is not then subjected to further curation. The score for this variant resulted in a classification of benign for this disease.

Breakthrough Genomics
Classification: Benign. Review status: criteria provided, single submitter. Criteria: ACMG Guidelines, 2015. Collection method: not provided. Allele origin: germline. Inheritance: Autosomal recessive inheritance. Affected: yes.